The following is an entry in ClinVar:

ClinVar aggregate classification (germline): Uncertain significance (1 of 4 stars; one submission).

Conditions:
Charcot-Marie-Tooth disease type 4. Also called: Charcot-Marie-Tooth disease, type IV; Charcot-Marie-Tooth, Type 4. Identifiers: Orphanet 64749, MedGen C4082197, MONDO:0018995.

Allele frequency attached by ClinVar (database versions not stated): gnomAD exomes below 0.00001; ExAC 0.00001; gnomAD 0.00001; TOPMed 0.00003; ESP Exome Variant Server 0.00008.
gnomAD v4.1: 9 of 1,606,966 alleles (0.00056%); highest among the groups gnomAD compares: Non-Finnish European, 0.00077%; no homozygotes.

Submission:

Labcorp Genetics (formerly Invitae), Labcorp
Classification: Uncertain significance for Charcot-Marie-Tooth disease type 4. Last evaluated: 2022-07-06. Review status: criteria provided, single submitter. Criteria: Invitae Variant Classification Sherloc (09022015). Collection method: clinical testing. Allele origin: germline.
Comment: This sequence change replaces threonine, which is neutral and polar, with isoleucine, which is neutral and non-polar, at codon 44 of the FIG4 protein (p.Thr44Ile). This variant is present in population databases (rs375629140, gnomAD 0.0009%). This variant has not been reported in the literature in individuals affected with FIG4-related conditions. ClinVar contains an entry for this variant (Variation ID: 1009313). Algorithms developed to predict the effect of missense changes on protein structure and function output the following: SIFT: "Tolerated"; PolyPhen-2: "Possibly Damaging"; Align-GVGD: "Class C0". The isoleucine amino acid residue is found in multiple mammalian species, which suggests that this missense change does not adversely affect protein function. In summary, the available evidence is currently insufficient to determine the role of this variant in disease. Therefore, it has been classified as a Variant of Uncertain Significance.

NM_014845.6(FIG4):c.131C>T (p.Thr44Ile)

Gene: FIG4 (FIG4 phosphoinositide 5-phosphatase; plus strand). Cytogenetic location: 6q21.
Variant type: single nucleotide variant.
Coding change: c.131C>T on transcript NM_014845.6 (MANE Select); coding-DNA position 131, C replaced by T.
Protein change: p.Thr44Ile; replaces threonine 44 with isoleucine.
Molecular consequence: missense variant.
Genome position (GRCh38, 1-based): chr6:109,715,142, C>T. VCF-style: chr6-109715142-C-T. GRCh37 (hg19) VCF-style: chr6-110036345-C-T.
Other names: short protein forms T44I.
Identifiers: ClinVar variation 1009313 (VCV001009313.7), dbSNP rs375629140, ClinGen allele CA3955680.